The following is an entry in ClinVar:

ClinVar aggregate classification (germline): Uncertain significance (1 of 4 stars; one submission).

Conditions:
Basal cell nevus syndrome 1 (BCNS1). Also called: GORLIN-GOLTZ SYNDROME; MULTIPLE BASAL CELL NEVI, ODONTOGENIC KERATOCYSTS, AND SKELETAL ANOMALIES. Identifiers: MedGen CN376810, MONDO:0958174, OMIM 109400.

Submission:

Otogenetics
Classification: Uncertain significance for Basal cell nevus syndrome 1. Last evaluated: 2026-04-03. Review status: criteria provided, single submitter. Criteria: ACMG Guidelines, 2015. Collection method: clinical testing. Allele origin: germline.
Comment: PM2: Maximum gnomAD MAF of 0.0256% in African (AFR) subpopulation (<0.05% threshold)

NM_000264.5(PTCH1):c.394+15_394+26dup

Gene: PTCH1 (patched 1; minus strand). Cytogenetic location: 9q22.32.
Variant type: Duplication.
Coding change: c.394+15_394+26dup on transcript NM_000264.5 (MANE Select); bases 15 to 26 of the intron after coding-DNA position 394, 12 bases duplicated (CGCGGCGCCCGC).
Molecular consequence: intron variant.
Genome position (GRCh38, 1-based): chr9:95,506,381-95,506,392, GCGGGCGCCGCG duplicated on the plus strand (CGCGGCGCCCGC on the coding strand, the reverse complement: PTCH1 is on the minus strand); duplicating any 12 consecutive bases within chr9:95,506,381-95,506,400 gives the same sequence; the c. name uses the placement nearest the transcript's 3' end. VCF-style (leftmost placement, unchanged base first): chr9-95506380-C-CGCGGGCGCCGCG. GRCh37 (hg19) VCF-style: chr9-98268662-C-CGCGGGCGCCGCG.
Other names: c.391+15_391+26dup (NM_001083603.3); c.196+15_196+26dup (NM_001083602.3, NM_001354919.2); c.394+15_394+26dup (NM_001354918.2); c.-60+15_-60+26dup (NM_001083605.3, NM_001083604.3, NM_001083606.3 and 1 more transcripts).
Identifiers: ClinVar variation 4852105 (VCV004852105.1), dbSNP rs762616418.